The following is an entry in ClinVar:

ClinVar aggregate classification (germline): Benign. Review status: criteria provided, multiple submitters, no conflicts (2 of 4 stars). 3 submissions from 3 submitters: Benign (3). Last evaluated 2026-02-02.

Conditions:
Familial hemophagocytic lymphohistiocytosis 5. Also called: STXBP2-Related Familial Hemophagocytic Lymphohistiocytosis (STXBP2-fHLH). Identifiers: Orphanet 540, MedGen C2751293, MONDO:0013135, OMIM 613101.

Allele frequency attached by ClinVar (database versions not stated): gnomAD 0.00053 and 0.00070; TOPMed 0.00093; gnomAD exomes 0.00154; ExAC 0.00155; 1000 Genomes Project 30x 0.00312; 1000 Genomes Project 0.00339.
gnomAD v4.1: 706 of 1,613,982 alleles (0.044%); highest among the groups gnomAD compares: East Asian, 1.5%; 8 homozygotes.

Submissions (3):

Labcorp Genetics (formerly Invitae), Labcorp
Classification: Benign for Familial hemophagocytic lymphohistiocytosis 5. Last evaluated: 2026-02-02. Review status: criteria provided, single submitter. Criteria: Invitae Variant Classification Sherloc (09022015). Collection method: clinical testing. Allele origin: germline.

Illumina Laboratory Services, Illumina
Classification: Benign for Familial hemophagocytic lymphohistiocytosis 5. Last evaluated: 2017-04-27. Review status: criteria provided, single submitter. Criteria: ICSL Variant Classification Criteria 13 December 2019. Collection method: clinical testing. Allele origin: germline.
Comment: This variant was observed as part of a predisposition screen in an ostensibly healthy population. A literature search was performed for the gene, cDNA change, and amino acid change (where applicable). No publications were found based on this search. Allele frequency data from public databases was too high to be consistent with this variant causing disease. Therefore, this variant is classified as benign.

PreventionGenetics, part of Exact Sciences
Classification: Benign. Review status: criteria provided, single submitter. Criteria: ACMG Guidelines, 2015. Collection method: clinical testing. Allele origin: germline.

NM_006949.4(STXBP2):c.816C>T (p.Ser272=)

Gene: STXBP2 (syntaxin binding protein 2; plus strand). Cytogenetic location: 19p13.2.
Variant type: single nucleotide variant.
Coding change: c.816C>T on transcript NM_006949.4 (MANE Select); coding-DNA position 816, C replaced by T.
Protein change: p.Ser272=; no amino-acid change (serine 272 retained).
Molecular consequence: synonymous variant. On other transcripts: non-coding transcript variant (1).
Genome position (GRCh38, 1-based): chr19:7,642,450, C>T. VCF-style: chr19-7642450-C-T. GRCh37 (hg19) VCF-style: chr19-7707336-C-T.
Other names: c.807C>T, p.Ser269= (NM_001127396.3); c.849C>T, p.Ser283= (NM_001272034.2).
Identifiers: ClinVar variation 260109 (VCV000260109.16), dbSNP rs78010345, ClinGen allele CA9143808.